The following is an entry in ClinVar:

ClinVar aggregate classification (germline): Pathogenic/Likely pathogenic. Review status: criteria provided, multiple submitters, no conflicts (2 of 4 stars). 4 submissions from 4 submitters: Pathogenic (1); Likely pathogenic (3). Last evaluated 2025-06-22.

Conditions:
Bardet-Biedl syndrome 1 (BBS1). Identifiers: MedGen C2936862, MONDO:0008854, OMIM 209900. Disease mechanism: loss of function.
Bardet-Biedl syndrome (BBS). Identifiers: Orphanet 110, MedGen C0752166, MONDO:0015229.

Allele frequency attached by ClinVar (database versions not stated): gnomAD exomes below 0.00001.

Submissions (4):

Dasa
Classification: Likely pathogenic for Bardet-Biedl syndrome 1. Last evaluated: 2025-06-22. Review status: criteria provided, single submitter. Criteria: DASA Assertion Criteria. Collection method: clinical testing. Allele origin: germline.
Comment: NM_024649.5(BBS1):c.1708C>T (p.Arg570*) is a nonsense variant in BBS1 predicted to introduce a premature termination codon and is predicted to result in an absent or altered protein product. Loss of function is an established disease mechanism for BBS1-associated disorders. This variant has been reported in individuals with BBS1-related disorders (PMID: 28559085). Also, this variant is rare in population databases. Based on the currently available evidence, this variant is classified as likely pathogenic.

Labcorp Genetics (formerly Invitae), Labcorp
Classification: Pathogenic for Bardet-Biedl syndrome. Last evaluated: 2024-10-25. Review status: criteria provided, single submitter. Criteria: Invitae Variant Classification Sherloc (09022015). Collection method: clinical testing. Allele origin: germline.
Comment: This sequence change creates a premature translational stop signal (p.Arg570*) in the BBS1 gene. While this is not anticipated to result in nonsense mediated decay, it is expected to disrupt the last 24 amino acid(s) of the BBS1 protein. This variant is not present in population databases (gnomAD no frequency). This premature translational stop signal has been observed in individual(s) with Bardet-Biedl syndrome (PMID: 25170860, 28559085). In at least one individual the data is consistent with being in trans (on the opposite chromosome) from a pathogenic variant. ClinVar contains an entry for this variant (Variation ID: 1504874). This variant disrupts a region of the BBS1 protein in which other variant(s) (p.Ala591Val) have been observed in individuals with BBS1-related conditions (PMID: 30076350). This suggests that this is a clinically significant region of the protein, and that variants that disrupt it are likely to be disease-causing. For these reasons, this variant has been classified as Pathogenic.

Natera, Inc.
Classification: Likely pathogenic for Bardet-Biedl syndrome type 1. Last evaluated: 2024-07-12. Review status: criteria provided, single submitter. Criteria: Natera Variant Classification Schema (03/2026). Collection method: clinical testing. Allele origin: germline.
Comment: The c.1708C>T variant in BBS1 is a nonsense variant predicted to introduce a stop codon at amino acid 570. This variant may result in a truncated or dysfunctional protein product. This variant is rare in the general population with a frequency below the threshold expected for the associated phenotype(s). This variant has been observed in one or more individuals affected with the associated recessive disease, as either homozygous or compound heterozygous with a second variant (PMID: 28559085, 27659767). Given the available evidence, this variant is classified as Likely Pathogenic.

Laboratorio de Genetica e Diagnostico Molecular, Hospital Israelita Albert Einstein
Classification: Likely pathogenic for Bardet-Biedl syndrome 1. Last evaluated: 2023-02-02. Review status: criteria provided, single submitter. Criteria: ACMG Guidelines, 2015. Collection method: clinical testing. Allele origin: germline. Affected: yes. Observed: 1 variant allele.
Comment: ACMG classification criteria: PVS1 moderated, PM2 moderated, PM3 moderated

Literature cited by the submitters: PubMed 28559085 (cited by 3 submitters); PubMed 25170860 (cited by Dasa and Labcorp Genetics (formerly Invitae), Labcorp); PubMed 30076350 (cited by Labcorp Genetics (formerly Invitae), Labcorp); PubMed 27659767 (cited by Natera, Inc.).

NM_024649.5(BBS1):c.1708C>T (p.Arg570Ter)

Genes: BBS1 (Bardet-Biedl syndrome 1; plus strand), ZDHHC24 (zDHHC palmitoyltransferase 24; minus strand). Cytogenetic location: 11q13.2.
Variant type: single nucleotide variant.
Coding change: c.1708C>T on transcript NM_024649.5 (MANE Select); coding-DNA position 1708, C replaced by T.
Protein change: p.Arg570Ter; replaces arginine 570 with a stop codon.
Molecular consequence: nonsense. On other transcripts: intron variant (1).
Genome position (GRCh38, 1-based): chr11:66,531,963, C>T. VCF-style: chr11-66531963-C-T. GRCh37 (hg19) VCF-style: chr11-66299434-C-T.
Other names: c.1708C>T (NM_024649.4); c.560-2475G>A (NM_001348571.2); short protein forms R570*.
Identifiers: ClinVar variation 1504874 (VCV001504874.10), dbSNP rs1434577015, ClinGen allele CA381426480.
Genomic context (GRCh38, chr11:66,531,963, plus strand): 5'-AGGGGTCAGGGGTGTATGCCCCCTGCTGCCATGGCCACTCCTCCATAGGTGCTGGTGCTT[C>T]GAGAAGGCCAAAGTGCACCCCTGCTGAGTGCCCACGTCAACATGCCTGGGAGCGAGGGGC-3'